The following is an entry in ClinVar:

NM_005378.6(MYCN):c.470C>T (p.Pro157Leu)

Gene: MYCN (MYCN proto-oncogene, bHLH transcription factor; plus strand). Cytogenetic location: 2p24.3.
Variant type: single nucleotide variant.
Coding change: c.470C>T on transcript NM_005378.6 (MANE Select); coding-DNA position 470, C replaced by T.
Protein change: p.Pro157Leu; replaces proline 157 with leucine.
Molecular consequence: missense variant. On other transcripts: 3 prime UTR variant (1), intron variant (1).
Genome position (GRCh38, 1-based): chr2:15,942,534, C>T. VCF-style: chr2-15942534-C-T. GRCh37 (hg19) VCF-style: chr2-16082656-C-T.
Other names: c.470C>T, p.Pro157Leu (NM_001293228.2); c.*405C>T (NM_001293233.2); c.157+1791C>T (NM_001293231.2); short protein forms P157L.
Identifiers: ClinVar variation 3607460 (VCV003607460.2).
Genomic context (GRCh38, chr2:15,942,534, plus strand): 5'-GCCGCGGGCCGCCAACCGCCGGTTCCACCGCCCAGTCCCCGGGAGCCGGCGCCGCCAGCC[C>T]TGCGGGTCGCGGGCACGGCGGGGCTGCGGGAGCCGGCCGCGCCGGGGCCGCCCTGCCCGC-3'
Protein context (NP_005369.2, residues 147-167): AQSPGAGAAS[Pro157Leu]AGRGHGGAAG

ClinVar aggregate classification (germline): Uncertain significance (1 of 4 stars; one submission).

gnomAD v4.1: 13 of 1,322,688 alleles (0.00098%); highest among the groups gnomAD compares: Middle Eastern, 0.028%; no homozygotes.

Submission:

Labcorp Genetics (formerly Invitae), Labcorp
Classification: Uncertain significance. Last evaluated: 2025-12-17. Review status: criteria provided, single submitter. Criteria: Invitae Variant Classification Sherloc (09022015). Collection method: clinical testing. Allele origin: germline.
Comment: This sequence change replaces proline, which is neutral and non-polar, with leucine, which is neutral and non-polar, at codon 157 of the MYCN protein (p.Pro157Leu). This variant is not present in population databases (gnomAD no frequency). This variant has not been reported in the literature in individuals affected with MYCN-related conditions. ClinVar contains an entry for this variant (Variation ID: 3607460). Invitae Evidence Modeling of protein sequence and biophysical properties (such as structural, functional, and spatial information, amino acid conservation, physicochemical variation, residue mobility, and thermodynamic stability) indicates that this missense variant is not expected to disrupt MYCN protein function with a negative predictive value of 95%. In summary, the available evidence is currently insufficient to determine the role of this variant in disease. Therefore, it has been classified as a Variant of Uncertain Significance.